The following is an entry in ClinVar:

ClinVar aggregate classification (germline): Uncertain significance (1 of 4 stars; one submission).

Submission:

CeGaT Center for Human Genetics Tuebingen
Classification: Uncertain significance. Last evaluated: 2024-06-01. Review status: criteria provided, single submitter. Criteria: CeGaT Center For Human Genetics Tuebingen Variant Classification Criteria Version 2. Collection method: clinical testing. Allele origin: germline. Affected: yes. Observed: 1 variant allele.
Comment: KIF11: PM2, BP4

NM_004523.4(KIF11):c.1945A>G (p.Lys649Glu)

Gene: KIF11 (kinesin family member 11; plus strand). Cytogenetic location: 10q23.33.
Variant type: single nucleotide variant.
Coding change: c.1945A>G on transcript NM_004523.4 (MANE Select); coding-DNA position 1945, A replaced by G.
Protein change: p.Lys649Glu; replaces lysine 649 with glutamic acid.
Molecular consequence: missense variant.
Genome position (GRCh38, 1-based): chr10:92,637,253, A>G. VCF-style: chr10-92637253-A-G. GRCh37 (hg19) VCF-style: chr10-94397010-A-G.
Other names: short protein forms K649E.
Identifiers: ClinVar variation 3251150 (VCV003251150.18), dbSNP rs2492525098.